The following is an entry in ClinVar:

NM_001267550.2(TTN):c.101309del (p.Leu33770fs)

Genes: TTN (titin; minus strand), TTN-AS1 (TTN antisense RNA 1; plus strand). Cytogenetic location: 2q31.2.
Variant type: Deletion.
Coding change: c.101309del on transcript NM_001267550.2 (MANE Select); coding-DNA position 101309, one base deleted (T; older notation c.101309delT).
Protein change: p.Leu33770fs; shifts the reading frame from leucine 33770.
Molecular consequence: frameshift variant.
Genome position (GRCh38, 1-based): chr2:178,535,306, A deleted on the plus strand (T on the coding strand, the reverse complement: TTN is on the minus strand). VCF-style (leftmost placement, unchanged base first): chr2-178535305-CA-C. GRCh37 (hg19) VCF-style: chr2-179400032-CA-C.
Other names: c.96386del, p.Leu32129fs (NM_001256850.1); c.74114del, p.Leu24705fs (NM_003319.4); c.93605del, p.Leu31202fs (NM_133378.4); c.74489del, p.Leu24830fs (NM_133432.3); c.74690del, p.Leu24897fs (NM_133437.4); short protein forms L24705fs, L24830fs, L24897fs, L31202fs, L32129fs, L33770fs.
Identifiers: ClinVar variation 3760288 (VCV003760288.2).

ClinVar aggregate classification (germline): Likely pathogenic (1 of 4 stars; one submission).

Conditions:
Dilated cardiomyopathy 1G (CMD1G). Identifiers: Orphanet 154, MedGen C1858763, MONDO:0011400, OMIM 604145.
Autosomal recessive limb-girdle muscular dystrophy type 2J (LGMDR10). Also called: Limb-girdle muscular dystrophy, type 2J; MUSCULAR DYSTROPHY, LIMB-GIRDLE, AUTOSOMAL RECESSIVE 10. Identifiers: Orphanet 140922, MedGen C1837342, MONDO:0012127, OMIM 608807.

Submission:

Labcorp Genetics (formerly Invitae), Labcorp
Classification: Likely pathogenic for Dilated cardiomyopathy 1G; Autosomal recessive limb-girdle muscular dystrophy type 2J. Last evaluated: 2025-01-11. Review status: criteria provided, single submitter. Criteria: Invitae Variant Classification Sherloc (09022015). Collection method: clinical testing. Allele origin: germline.
Comment: This sequence change creates a premature translational stop signal (p.Leu33770Argfs*12) in the TTN gene. While this is not anticipated to result in nonsense mediated decay, it is expected to create a truncated TTN protein. This variant is not present in population databases (gnomAD no frequency). This premature translational stop signal has been observed in individual(s) with dilated cardiomyopathy (internal data). This variant is located in the M band of TTN (PMID: 25589632). Truncating variants in this region have been previously reported in individuals affected with autosomal dominant or autosomal recessive myopathy and muscular dystrophy (PMID: 18948003, 23975875, 24395473). Truncating variants in this region have also been identified in individuals affected with autosomal dominant dilated cardiomyopathy and/or cardio-related conditions (PMID: 27869827, 32964742, internal data). In summary, the currently available evidence indicates that the variant is pathogenic, but additional data are needed to prove that conclusively. Therefore, this variant has been classified as Likely Pathogenic.

Literature cited by the submitters: PubMed 25589632; PubMed 18948003; PubMed 23975875; PubMed 24395473; PubMed 27869827; PubMed 32964742.